The following is an entry in ClinVar:

ClinVar aggregate classification (germline): Uncertain significance (1 of 4 stars; one submission).

Submission:

Labcorp Genetics (formerly Invitae), Labcorp
Classification: Uncertain significance. Last evaluated: 2025-07-08. Review status: criteria provided, single submitter. Criteria: Invitae Variant Classification Sherloc (09022015). Collection method: clinical testing. Allele origin: germline.
Comment: This sequence change replaces phenylalanine, which is neutral and non-polar, with leucine, which is neutral and non-polar, at codon 125 of the PPP3CA protein (p.Phe125Leu). This variant is not present in population databases (gnomAD no frequency). This variant has not been reported in the literature in individuals affected with PPP3CA-related conditions. ClinVar contains an entry for this variant (Variation ID: 3659319). Invitae Evidence Modeling of protein sequence and biophysical properties (such as structural, functional, and spatial information, amino acid conservation, physicochemical variation, residue mobility, and thermodynamic stability) indicates that this missense variant is expected to disrupt PPP3CA protein function with a positive predictive value of 80%. In summary, the available evidence is currently insufficient to determine the role of this variant in disease. Therefore, it has been classified as a Variant of Uncertain Significance.

NM_000944.5(PPP3CA):c.373T>C (p.Phe125Leu)

Gene: PPP3CA (protein phosphatase 3 catalytic subunit alpha; minus strand). Cytogenetic location: 4q24.
Variant type: single nucleotide variant.
Coding change: c.373T>C on transcript NM_000944.5 (MANE Select); coding-DNA position 373, T replaced by C.
Protein change: p.Phe125Leu; replaces phenylalanine 125 with leucine.
Molecular consequence: missense variant.
Genome position (GRCh38, 1-based): chr4:101,108,965, A>G on the plus strand (T>C on the coding strand, the complement: PPP3CA is on the minus strand). VCF-style: chr4-101108965-A-G. GRCh37 (hg19) VCF-style: chr4-102030122-A-G.
Other names: c.373T>C, p.Phe125Leu (NM_001130691.2, NM_001130692.2); short protein forms F125L.
Identifiers: ClinVar variation 3659319 (VCV003659319.2).